The following is an entry in ClinVar:

ClinVar aggregate classification (germline): Uncertain significance (1 of 4 stars; one submission).

Submission:

Labcorp Genetics (formerly Invitae), Labcorp
Classification: Uncertain significance. Last evaluated: 2025-04-26. Review status: criteria provided, single submitter. Criteria: Invitae Variant Classification Sherloc (09022015). Collection method: clinical testing. Allele origin: germline.
Comment: This sequence change replaces arginine, which is basic and polar, with glutamine, which is neutral and polar, at codon 263 of the CARMIL2 protein (p.Arg263Gln). The frequency data for this variant in the population databases is considered unreliable, as metrics indicate poor data quality at this position in the gnomAD database. This variant has not been reported in the literature in individuals affected with CARMIL2-related conditions. Invitae Evidence Modeling of protein sequence and biophysical properties (such as structural, functional, and spatial information, amino acid conservation, physicochemical variation, residue mobility, and thermodynamic stability) indicates that this missense variant is not expected to disrupt CARMIL2 protein function with a negative predictive value of 80%. In summary, the available evidence is currently insufficient to determine the role of this variant in disease. Therefore, it has been classified as a Variant of Uncertain Significance.

NM_001013838.3(CARMIL2):c.788G>A (p.Arg263Gln)

Gene: CARMIL2 (capping protein regulator and myosin 1 linker 2; plus strand). Cytogenetic location: 16q22.1.
Variant type: single nucleotide variant.
Coding change: c.788G>A on transcript NM_001013838.3 (MANE Select); coding-DNA position 788, G replaced by A.
Protein change: p.Arg263Gln; replaces arginine 263 with glutamine.
Molecular consequence: missense variant.
Genome position (GRCh38, 1-based): chr16:67,647,519, G>A. VCF-style: chr16-67647519-G-A. GRCh37 (hg19) VCF-style: chr16-67681422-G-A.
Other names: c.788G>A, p.Arg263Gln (NM_001317026.3, NM_001438244.1, NM_001438835.1); short protein forms R263Q.
Identifiers: ClinVar variation 4775054 (VCV004775054.1).